The following is an entry in ClinVar:

NM_001855.5(COL15A1):c.2140C>T (p.Pro714Ser)

Gene: COL15A1 (collagen type XV alpha 1 chain; plus strand). Cytogenetic location: 9q22.33.
Variant type: single nucleotide variant.
Coding change: c.2140C>T on transcript NM_001855.5 (MANE Select); coding-DNA position 2140, C replaced by T.
Protein change: p.Pro714Ser; replaces proline 714 with serine.
Molecular consequence: missense variant.
Genome position (GRCh38, 1-based): chr9:99,035,074, C>T. VCF-style: chr9-99035074-C-T. GRCh37 (hg19) VCF-style: chr9-101797356-C-T.
Other names: short protein forms P714S.
Identifiers: ClinVar variation 3033326 (VCV003033326.2), dbSNP rs142089094, ClinGen allele CA5155239.
Genomic context (GRCh38, chr9:99,035,074, plus strand): 5'-GGTGACCCTGGCAACAGAGGCTTACCTGGACCCCCGGGGAAAAAGGGACAAGCTGGCCCT[C>T]CTGGGGTCATGGGACCCCCAGGGCCTCCTGGACCCCCTGGGCCCCCAGGCCCTGGATGCA-3'
Protein context (NP_001846.3, residues 704-724): PPGKKGQAGP[Pro714Ser]GVMGPPGPPG

ClinVar aggregate classification (germline): Likely benign (0 of 4 stars; one submission).

Conditions:
COL15A1-related disorder. Also called: COL15A1-related condition.

Allele frequency attached by ClinVar (database versions not stated): gnomAD exomes 0.00018; ExAC 0.00064; gnomAD 0.00167; TOPMed 0.00196; ESP Exome Variant Server 0.00215; 1000 Genomes Project 0.00319; 1000 Genomes Project 30x 0.00375.
gnomAD v4.1: 512 of 1,610,530 alleles (0.032%); highest among the groups gnomAD compares: African/African-American, 0.56%; no homozygotes.

Submission:

PreventionGenetics, part of Exact Sciences
Classification: Likely benign for COL15A1-related condition. Last evaluated: 2019-06-13. Review status: no assertion criteria provided. Collection method: clinical testing. Allele origin: germline.
Comment: This variant is classified as likely benign based on ACMG/AMP sequence variant interpretation guidelines (Richards et al. 2015 PMID: 25741868, with internal and published modifications).